The following is an entry in ClinVar:

ClinVar aggregate classification (germline): Likely benign (1 of 4 stars; one submission).

Conditions:
Hereditary breast ovarian cancer syndrome. Also called: Hereditary breast and ovarian cancer; Hereditary breast and ovarian cancer syndrome (HBOC); Breast and ovarian cancer; Hereditary breast and/or ovarian cancer syndrome; BRCA1- and BRCA2-Associated Hereditary Breast and Ovarian Cancer; Hereditary breast and ovarian cancer syndrome. Identifiers: Orphanet 145, MedGen C0677776, MeSH D061325, MONDO:0003582. Disease mechanism: loss of function.

Submissions (2):

Labcorp Genetics (formerly Invitae), Labcorp
Classification: Likely benign for Hereditary breast ovarian cancer syndrome. Last evaluated: 2025-06-09. Review status: criteria provided, single submitter. Criteria: Invitae Variant Classification Sherloc (09022015). Collection method: clinical testing. Allele origin: germline.

Brotman Baty Institute, University of Washington
No classification provided (evidence only). Condition: Breast-ovarian cancer, familial 1. Review status: no classification provided. Collection method: in vitro. Allele origin: not applicable. Functional consequence: functionally_normal. Not counted in ClinVar's aggregate classification.
ClinVar note: "not provided" was previously submitted as the classification for the variant. However, the classification appeared to be based only on an observation of functional data so it was converted to no classification on 2025-07-30.

NM_007294.4(BRCA1):c.134+18A>C

Gene: BRCA1 (BRCA1 DNA repair associated; minus strand). Cytogenetic location: 17q21.31.
Variant type: single nucleotide variant.
Coding change: c.134+18A>C on transcript NM_007294.4 (MANE Select); 18 bases into the intron after coding-DNA position 134, A replaced by C.
Molecular consequence: intron variant.
Genome position (GRCh38, 1-based): chr17:43,115,708, T>G on the plus strand (A>C on the coding strand, the complement: BRCA1 is on the minus strand). VCF-style: chr17-43115708-T-G. GRCh37 (hg19) VCF-style: chr17-41267725-T-G.
Other names: c.-8+18A>C (NM_001408458.1, NM_001408470.1, NM_001407848.1 and 47 more transcripts); c.-219+9569A>C (NM_001407967.1); c.-170+9569A>C (NM_001407959.1); c.-7-9175A>C (NM_001407931.1, NM_001407747.1, NM_001408511.1 and 2 more transcripts); c.-170+18A>C (NM_001407962.1, NM_001408512.1, NM_001408510.1 and 1 more transcripts); c.-55+18A>C (NM_001407885.1, NM_001407886.1, NM_001408509.1 and 52 more transcripts); c.-124+18A>C (NM_001407746.1, NM_001408468.1, NM_001407842.1 and 13 more transcripts); c.-8+8309A>C (NM_001408461.1, NM_001407738.1, NM_001407932.1 and 23 more transcripts); and 10 more.
Identifiers: ClinVar variation 868191 (VCV000868191.4), dbSNP rs1555599182, ClinGen allele CA916080956.